The following is an entry in ClinVar:

ClinVar aggregate classification (germline): Uncertain significance (1 of 4 stars; one submission).

Submission:

CeGaT Center for Human Genetics Tuebingen
Classification: Uncertain significance. Last evaluated: 2023-07-01. Review status: criteria provided, single submitter. Criteria: CeGaT Center For Human Genetics Tuebingen Variant Classification Criteria Version 2. Collection method: clinical testing. Allele origin: germline. Affected: yes. Observed: 1 variant allele.
Comment: PLPBP: PM2

NM_007198.4(PLPBP):c.1A>G (p.Met1Val)

Genes: PLPBP (pyridoxal phosphate binding protein; plus strand), LOC113788277 (Sharpr-MPRA regulatory region 13802; plus strand). Cytogenetic location: 8p11.23.
Variant type: single nucleotide variant.
Coding change: c.1A>G on transcript NM_007198.4 (MANE Select); coding-DNA position 1, A replaced by G.
Protein change: p.Met1Val; changes the start codon (methionine 1).
Molecular consequence: missense variant, initiator codon variant. On other transcripts: 5 prime UTR variant (1).
Genome position (GRCh38, 1-based): chr8:37,762,660, A>G. VCF-style: chr8-37762660-A-G. GRCh37 (hg19) VCF-style: chr8-37620178-A-G.
Other names: c.1A>G, p.Met1Val (NM_001349346.2, NM_001349347.2); c.-98A>G (NM_001349348.2); c.106A>G, p.Met36Val (NM_001349349.1); short protein forms M1V, M36V.
Identifiers: ClinVar variation 2579047 (VCV002579047.25), dbSNP rs1422983988, ClinGen allele CA370665503.